The following is an entry in ClinVar:

NM_003105.6(SORL1):c.1172A>G (p.Tyr391Cys)

Gene: SORL1 (sortilin related receptor 1; plus strand). Cytogenetic location: 11q24.1.
Variant type: single nucleotide variant.
Coding change: c.1172A>G on transcript NM_003105.6 (MANE Select); coding-DNA position 1172, A replaced by G.
Protein change: p.Tyr391Cys; replaces tyrosine 391 with cysteine.
Molecular consequence: missense variant.
Genome position (GRCh38, 1-based): chr11:121,514,282, A>G. VCF-style: chr11-121514282-A-G. GRCh37 (hg19) VCF-style: chr11-121384991-A-G.
Other names: short protein forms Y391C.
Identifiers: ClinVar variation 1986994 (VCV001986994.4), dbSNP rs139710266, ClinGen allele CA6328563.

ClinVar aggregate classification (germline): Uncertain significance (1 of 4 stars; one submission).

Allele frequency attached by ClinVar (database versions not stated): gnomAD 0.00002; gnomAD exomes 0.00003; TOPMed 0.00003; ExAC 0.00004; ESP Exome Variant Server 0.00015.
gnomAD v4.1: 48 of 1,614,084 alleles (0.003%); highest among the groups gnomAD compares: Non-Finnish European, 0.0038%; no homozygotes.

Submission:

Labcorp Genetics (formerly Invitae), Labcorp
Classification: Uncertain significance. Last evaluated: 2024-06-13. Review status: criteria provided, single submitter. Criteria: Invitae Variant Classification Sherloc (09022015). Collection method: clinical testing. Allele origin: germline.
Comment: This sequence change replaces tyrosine, which is neutral and polar, with cysteine, which is neutral and slightly polar, at codon 391 of the SORL1 protein (p.Tyr391Cys). This variant is present in population databases (rs139710266, gnomAD 0.005%). This missense change has been observed in individual(s) with Alzhemier disease (PMID: 30924900). ClinVar contains an entry for this variant (Variation ID: 1986994). An algorithm developed to predict the effect of missense changes on protein structure and function (PolyPhen-2) suggests that this variant is likely to be disruptive. In summary, the available evidence is currently insufficient to determine the role of this variant in disease. Therefore, it has been classified as a Variant of Uncertain Significance.

Literature cited by the submitters: PubMed 30924900.